The following is an entry in ClinVar:

ClinVar aggregate classification (germline): Uncertain significance (1 of 4 stars; one submission).

Conditions:
Hereditary cancer-predisposing syndrome. Also called: Neoplastic Syndromes, Hereditary; Tumor predisposition; Hereditary Cancer Syndrome; Hereditary neoplastic syndrome. Identifiers: Orphanet 140162, MedGen C0027672, MeSH D009386, MONDO:0015356.

Submission:

Ambry Genetics
Classification: Uncertain significance for Hereditary cancer-predisposing syndrome. Last evaluated: 2025-12-03. Review status: criteria provided, single submitter. Criteria: Ambry Variant Classification Scheme 2023. Collection method: clinical testing. Allele origin: germline.
Comment: The p.K745R variant (also known as c.2234A>G), located in coding exon 19 of the EGFR gene, results from an A to G substitution at nucleotide position 2234. The lysine at codon 745 is replaced by arginine, an amino acid with highly similar properties. This amino acid position is highly conserved in available vertebrate species. In addition, this alteration is predicted to be deleterious by in silico analysis. Based on the available evidence, the clinical significance of this variant remains unclear.

NM_005228.5(EGFR):c.2234A>G (p.Lys745Arg)

Gene: EGFR (epidermal growth factor receptor; plus strand). Cytogenetic location: 7p11.2.
Variant type: single nucleotide variant.
Coding change: c.2234A>G on transcript NM_005228.5 (MANE Select); coding-DNA position 2234, A replaced by G.
Protein change: p.Lys745Arg; replaces lysine 745 with arginine.
Molecular consequence: missense variant.
Genome position (GRCh38, 1-based): chr7:55,174,771, A>G. VCF-style: chr7-55174771-A-G. GRCh37 (hg19) VCF-style: chr7-55242464-A-G.
Other names: c.2099A>G, p.Lys700Arg (NM_001346897.2, NM_001346899.2); c.2234A>G, p.Lys745Arg (NM_001346898.2); c.2075A>G, p.Lys692Arg (NM_001346900.2); c.1433A>G, p.Lys478Arg (NM_001346941.2); c.2234A>G (NM_005228.3); short protein forms K745R, K478R, K692R, K700R.
Identifiers: ClinVar variation 4639994 (VCV004639994.1), dbSNP rs121913433.
Genomic context (GRCh38, chr7:55,174,771, plus strand): 5'-CTCTGTCATAGGGACTCTGGATCCCAGAAGGTGAGAAAGTTAAAATTCCCGTCGCTATCA[A>G]GGAATTAAGAGAAGCAACATCTCCGAAAGCCAACAAGGAAATCCTCGATGTGAGTTTCTG-3'
Protein context (NP_005219.2, residues 735-755): GEKVKIPVAI[Lys745Arg]ELREATSPKA